The following is an entry in ClinVar:

ClinVar aggregate classification (germline): Likely benign (1 of 4 stars; one submission).

Conditions:
PHIP-related disorder. Also called: PHIP-related condition; PHIP-related disorders.

gnomAD v4.1: 1 of 1,605,178 alleles (0.000062%); highest among the groups gnomAD compares: African/African-American, 0.0013%; no homozygotes.

Submission:

PreventionGenetics, part of Exact Sciences
Classification: Likely benign for PHIP-related condition. Last evaluated: 2025-11-21. Review status: criteria provided, single submitter. Criteria: ACMG Guidelines, 2015. Collection method: clinical testing. Allele origin: germline.
Comment: This variant is classified as likely benign based on ACMG/AMP sequence variant interpretation guidelines (Richards et al. 2015 PMID: 25741868, with internal and published modifications).

NM_017934.7(PHIP):c.5466A>G (p.Ter1822=)

Genes: IRAK1BP1 (interleukin 1 receptor associated kinase 1 binding protein 1; plus strand), PHIP (PHIP subunit of CUL4-Ring ligase complex; minus strand). Cytogenetic location: 6q14.1.
Variant type: single nucleotide variant.
Coding change: c.5466A>G on transcript NM_017934.7 (MANE Select); coding-DNA position 5466, A replaced by G.
Protein change: p.Ter1822=.
Molecular consequence: synonymous variant.
Genome position (GRCh38, 1-based): chr6:78,940,693, T>C on the plus strand (A>G on the coding strand, the complement: PHIP is on the minus strand). VCF-style: chr6-78940693-T-C. GRCh37 (hg19) VCF-style: chr6-79650410-T-C.
Identifiers: ClinVar variation 4991317 (VCV004991317.1).